The following is an entry in ClinVar:

ClinVar aggregate classification (germline): Pathogenic (1 of 4 stars; one submission).

Allele frequency attached by ClinVar (database versions not stated): gnomAD exomes below 0.00001.
gnomAD v4.1: 1 of 1,614,088 alleles (0.000062%); highest among the groups gnomAD compares: Non-Finnish European, 0.000085%; no homozygotes.

Submission:

Labcorp Genetics (formerly Invitae), Labcorp
Classification: Pathogenic. Last evaluated: 2023-10-14. Review status: criteria provided, single submitter. Criteria: Invitae Variant Classification Sherloc (09022015). Collection method: clinical testing. Allele origin: germline.
Comment: This sequence change creates a premature translational stop signal (p.Gln1622*) in the MYO15A gene. It is expected to result in an absent or disrupted protein product. Loss-of-function variants in MYO15A are known to be pathogenic (PMID: 17546645). This variant is not present in population databases (gnomAD no frequency). This variant has not been reported in the literature in individuals affected with MYO15A-related conditions. For these reasons, this variant has been classified as Pathogenic.

Literature cited by the submitters: PubMed 17546645.

NM_016239.4(MYO15A):c.4864C>T (p.Gln1622Ter)

Gene: MYO15A (myosin XVA; plus strand). Cytogenetic location: 17p11.2.
Variant type: single nucleotide variant.
Coding change: c.4864C>T on transcript NM_016239.4 (MANE Select); coding-DNA position 4864, C replaced by T.
Protein change: p.Gln1622Ter; replaces glutamine 1622 with a stop codon.
Molecular consequence: nonsense.
Genome position (GRCh38, 1-based): chr17:18,137,668, C>T. VCF-style: chr17-18137668-C-T. GRCh37 (hg19) VCF-style: chr17-18040982-C-T.
Other names: short protein forms Q1622*.
Identifiers: ClinVar variation 2824307 (VCV002824307.3), dbSNP rs2545242295, ClinGen allele CA398596893.
Genomic context (GRCh38, chr17:18,137,668, plus strand): 5'-CAGCTGTGTATTAACTACGCAAACGAGAACCTTCAGTACCTTTTCAACAAGATCGTCTTC[C>T]AGGAGGAGCAGGTGTGTGGGCCCCATTAATACTCCTGTCCCTGTCTTGACTGGCCAGTGG-3'